The following continues an entry in ClinVar:

NM_000256.3(MYBPC3):c.836G>C (p.Gly279Ala)

Gene: MYBPC3. ClinVar aggregate classification (germline): Conflicting classifications of pathogenicity. Uncertain significance (12); Likely benign (1).

Submissions 11 to 16 of 16:

Laboratory for Molecular Medicine, Mass General Brigham Personalized Medicine
Classification: Uncertain significance. Last evaluated: 2019-05-03. Review status: criteria provided, single submitter. Criteria: ACMG Guidelines, 2015. Collection method: clinical testing. Allele origin: germline.
Comment: This variant has been seen in one patient with HCM (Richard 2003). It's also been reported in an individual who had this and 2 additional MYBPC3 variants in cis (p.Glu441Lys, p.Gln76Ter) and also a variant in MYH7 (p.Ile1927Phe) (Millat 2010). The variant has also been reported in two affected siblings compound heterozygous for this variant and the MYBPC3 Glu258Lys variant, each from one possibly mildly affected parent (Lopes 2014). The variant is in gnomAD at 0.005% (5 alleles) and classified in ClinVar with 2 stars as VUS by CHEO, Stanford, and CSER. In summary, this variant is of uncertain significance but we would lean towards a more likely benign impact.

Center for Human Genetics, University of Leuven
Classification: Uncertain significance for Hypertrophic cardiomyopathy. Last evaluated: 2018-10-31. Review status: criteria provided, single submitter. Criteria: ACMG Guidelines, 2015. Collection method: clinical testing. Allele origin: germline. Affected: yes.

Stanford Center for Inherited Cardiovascular Disease, Stanford University
Classification: Uncertain significance. Last evaluated: 2012-03-28. Review status: criteria provided, single submitter. Criteria: ACMG Guidelines, 2015. Collection method: provider interpretation. Allele origin: germline.

CSER _CC_NCGL, University of Washington
Classification: Uncertain significance for Cardiomyopathy, hypertrophic. Last evaluated: 2014-06-01. Review status: no assertion criteria provided. Collection method: research. Allele origin: germline. Inheritance: Autosomal dominant inheritance. Study: ESP 6500 variant annotation. Not counted in ClinVar's aggregate classification.
Comment: Variants classified for the Actionable exomic incidental findings in 6503 participants: challenges of variant classification manuscript

Clinical Genetics, Academic Medical Center
Classification: Uncertain significance. Review status: no assertion criteria provided. Collection method: clinical testing. Allele origin: germline. Affected: yes. Study: VKGL Data-share Consensus. Not counted in ClinVar's aggregate classification.

Joint Genome Diagnostic Labs from Nijmegen and Maastricht, Radboudumc and MUMC+
Classification: Uncertain significance. Review status: no assertion criteria provided. Collection method: clinical testing. Allele origin: germline. Affected: yes. Study: VKGL Data-share Consensus. Not counted in ClinVar's aggregate classification.

Literature cited by the submitters: PubMed 12707239 (cited by Ambry Genetics and Mayo Clinic Laboratories, Mayo Clinic); PubMed 20624503 (cited by 3 submitters); PubMed 20800588 (cited by Ambry Genetics); PubMed 23299917 (cited by Ambry Genetics and Mayo Clinic Laboratories, Mayo Clinic); PubMed 25127965 (cited by 4 submitters); PubMed 28214152 (cited by Ambry Genetics); PubMed 30731207 (cited by 3 submitters); PubMed 30871747 (cited by 5 submitters); PubMed 31376648 (cited by 4 submitters); PubMed 31513939 (cited by 5 submitters); PubMed 37652022 (cited by Labcorp Genetics (formerly Invitae), Labcorp and Mayo Clinic Laboratories, Mayo Clinic); PubMed 37937776 (cited by Labcorp Genetics (formerly Invitae), Labcorp and Mayo Clinic Laboratories, Mayo Clinic); PubMed 25637381 (cited by Mayo Clinic Laboratories, Mayo Clinic); PubMed 33495597 (cited by 3 submitters).